The following is an entry in ClinVar:

ClinVar aggregate classification (germline): Uncertain significance. Review status: criteria provided, multiple submitters, no conflicts (2 of 4 stars). 2 submissions from 2 submitters: Uncertain significance (2). Last evaluated 2024-06-13.

Conditions:
Inborn genetic diseases. Identifiers: MedGen C0950123, MeSH D030342.

Allele frequency attached by ClinVar (database versions not stated): ExAC 0.00001.
gnomAD v4.1: 1 of 1,606,102 alleles (0.000062%); highest among the groups gnomAD compares: Non-Finnish European, 0.000085%; no homozygotes.

Submissions (2):

Ambry Genetics
Classification: Uncertain significance for Inborn genetic diseases. Last evaluated: 2024-06-13. Review status: criteria provided, single submitter. Criteria: Ambry Variant Classification Scheme 2023. Collection method: clinical testing. Allele origin: germline.

GeneDx
Classification: Uncertain significance. Last evaluated: 2022-12-16. Review status: criteria provided, single submitter. Criteria: GeneDx Variant Classification Process June 2021. Collection method: clinical testing. Allele origin: germline. Affected: yes.
Comment: Not observed at significant frequency in large population cohorts (gnomAD); In silico analysis supports that this missense variant does not alter protein structure/function; Has not been previously published as pathogenic or benign to our knowledge

NM_001199107.2(TBC1D24):c.1540C>G (p.Gln514Glu)

Gene: TBC1D24 (TBC1 domain family member 24; plus strand). Cytogenetic location: 16p13.3.
Variant type: single nucleotide variant.
Coding change: c.1540C>G on transcript NM_001199107.2 (MANE Select); coding-DNA position 1540, C replaced by G.
Protein change: p.Gln514Glu; replaces glutamine 514 with glutamic acid.
Molecular consequence: missense variant.
Genome position (GRCh38, 1-based): chr16:2,500,818, C>G. VCF-style: chr16-2500818-C-G. GRCh37 (hg19) VCF-style: chr16-2550819-C-G.
Other names: c.1522C>G, p.Gln508Glu (NM_020705.3); short protein forms Q508E, Q514E.
Identifiers: ClinVar variation 2505671 (VCV002505671.2), dbSNP rs746057710, ClinGen allele CA7844340.
Genomic context (GRCh38, chr16:2,500,818, plus strand): 5'-GTGCTGATAGGGCAGTCAGGCCGCCACTGACCTGAGCATCCTGCAGGGGGAGGAGGCGGC[C>G]AGGCGCTCTACATCGATGGGGACCTGAACCGGGGCCGCACAAGCCACTGCGACACCTTCA-3'
Protein context (NP_001186036.1, residues 504-524): DCLIVGGGGG[Gln514Glu]ALYIDGDLNR